The following is an entry in ClinVar:

ClinVar aggregate classification (germline): Conflicting classifications of pathogenicity. Review status: criteria provided, conflicting classifications (1 of 4 stars). 5 submissions from 4 submitters: Uncertain significance (2); Likely benign (2). 1 of the submissions does not count toward it. Last evaluated 2025-10-05.

Conditions:
Asphyxiating thoracic dystrophy 5 (SRTD5). Also called: SHORT-RIB THORACIC DYSPLASIA 5 WITH OR WITHOUT POLYDACTYLY; SHORT-RIB THORACIC DYSPLASIA 5 WITHOUT POLYDACTYLY. Identifiers: Orphanet 474, MedGen C3280598, MONDO:0013717, OMIM 614376.
Senior-Loken syndrome 8 (SLSN8). Identifiers: Orphanet 3156, MedGen C4225376, MONDO:0014579, OMIM 616307.
Cranioectodermal dysplasia 4 (CED4). Identifiers: Orphanet 1515, MedGen C3280616, MONDO:0013719, OMIM 614378.
WDR19-related disorder. Also called: WDR19-related disorders; WDR19-related condition. Identifiers: MedGen CN380161.

Allele frequency attached by ClinVar (database versions not stated): ExAC 0.00007; gnomAD 0.00008 and 0.00009; gnomAD exomes 0.00008 and 0.00018; TOPMed 0.00015; 1000 Genomes Project 30x 0.00016; ESP Exome Variant Server 0.00034.
gnomAD v4.1: 273 of 1,613,354 alleles (0.017%); highest among the groups gnomAD compares: Non-Finnish European, 0.022%; no homozygotes.

Submissions (5):

Labcorp Genetics (formerly Invitae), Labcorp
Classification: Likely benign for Senior-Loken syndrome 8; Asphyxiating thoracic dystrophy 5. Last evaluated: 2025-10-05. Review status: criteria provided, single submitter. Criteria: Invitae Variant Classification Sherloc (09022015). Collection method: clinical testing. Allele origin: germline.

Blueprint Genetics
Classification: Likely benign. Last evaluated: 2023-10-09. Review status: criteria provided, single submitter. Criteria: ACMG Guidelines, 2015. Collection method: clinical testing. Allele origin: germline.

Illumina Laboratory Services, Illumina
Classification: Uncertain significance for Asphyxiating thoracic dystrophy 5. Last evaluated: 2018-01-12. Review status: criteria provided, single submitter. Criteria: ICSL Variant Classification Criteria 13 December 2019. Collection method: clinical testing. Allele origin: germline.

Illumina Laboratory Services, Illumina
Classification: Uncertain significance for Cranioectodermal dysplasia 4. Last evaluated: 2018-01-12. Review status: criteria provided, single submitter. Criteria: ICSL Variant Classification Criteria 13 December 2019. Collection method: clinical testing. Allele origin: germline.

PreventionGenetics, part of Exact Sciences
Classification: Likely benign for WDR19-related condition. Last evaluated: 2019-10-21. Review status: no assertion criteria provided. Collection method: clinical testing. Allele origin: germline. Not counted in ClinVar's aggregate classification.
Comment: This variant is classified as likely benign based on ACMG/AMP sequence variant interpretation guidelines (Richards et al. 2015 PMID: 25741868, with internal and published modifications).

NM_025132.4(WDR19):c.1357-7G>A

Gene: WDR19 (WD repeat domain 19; plus strand). Cytogenetic location: 4p14.
Variant type: single nucleotide variant.
Coding change: c.1357-7G>A on transcript NM_025132.4 (MANE Select); 7 bases into the intron before coding-DNA position 1357, G replaced by A.
Molecular consequence: intron variant.
Genome position (GRCh38, 1-based): chr4:39,217,976, G>A. VCF-style: chr4-39217976-G-A. GRCh37 (hg19) VCF-style: chr4-39219596-G-A.
Other names: c.877-7G>A (NM_001317924.2).
Identifiers: ClinVar variation 348735 (VCV000348735.18), dbSNP rs377101599, ClinGen allele CA2891833.